The following is an entry in ClinVar:

ClinVar aggregate classification (germline): Uncertain significance (1 of 4 stars; one submission).

Conditions:
X-linked Opitz G/BBB syndrome (GBBB). Also called: MID1-Related Opitz G/BBB Syndrome; OPITZ BBBG SYNDROME, TYPE I; OPITZ SYNDROME, X-LINKED; OPITZ-G SYNDROME, TYPE I; Opitz-Frias syndrome. Identifiers: Orphanet 2745, MedGen C2936904, MONDO:0010222, OMIM 300000.

Allele frequency attached by ClinVar (database versions not stated): gnomAD exomes below 0.00001; TOPMed 0.00001.
gnomAD v4.1: 1 of 1,211,324 alleles (0.000083%); highest among the groups gnomAD compares: African/African-American, 0.0017%; no homozygotes.

Submission:

HudsonAlpha Institute for Biotechnology
Classification: Uncertain significance for X-linked Opitz G/BBB syndrome. Last evaluated: 2019-07-01. Review status: criteria provided, single submitter. Criteria: ACMG Guidelines, 2015. Collection method: research. Allele origin: inherited. Observed: 1 variant allele. Study: CSER-SouthSeq.
Comment: ACMG codes: PM2, PP3

NM_000381.4(MID1):c.1495G>A (p.Val499Met)

Gene: MID1 (midline 1; minus strand). Cytogenetic location: Xp22.2.
Variant type: single nucleotide variant.
Coding change: c.1495G>A on transcript NM_000381.4 (MANE Select); coding-DNA position 1495, G replaced by A.
Protein change: p.Val499Met; replaces valine 499 with methionine.
Molecular consequence: missense variant.
Genome position (GRCh38, 1-based): chrX:10,455,030, C>T on the plus strand (G>A on the coding strand, the complement: MID1 is on the minus strand). VCF-style: chrX-10455030-C-T. GRCh37 (hg19) VCF-style: chrX-10423070-C-T.
Other names: c.1495G>A, p.Val499Met (NM_001098624.2, NM_001193277.1, NM_001347733.2 and 1 more transcripts); c.1381G>A, p.Val461Met (NM_033289.2); short protein forms V461M, V499M.
Identifiers: ClinVar variation 689640 (VCV000689640.2), dbSNP rs868016081, ClinGen allele CA326620427.